The following is an entry in ClinVar:

ClinVar aggregate classification (germline): Likely benign. Review status: criteria provided, multiple submitters, no conflicts (2 of 4 stars). 3 submissions from 3 submitters: Likely benign (3). Last evaluated 2024-11-04.

Conditions:
Pyruvate dehydrogenase E2 deficiency (PDHDD). Also called: Dihydrolipoamide Acetyltransferase (E2) Deficiency; LACTIC ACIDEMIA DUE TO DEFECT OF E2 LIPOYL TRANSACETYLASE OF THE PYRUVATE DEHYDROGENASE COMPLEX. Identifiers: Orphanet 765, Orphanet 79244, MedGen C1855565, MONDO:0009502, OMIM 245348.

Allele frequency attached by ClinVar (database versions not stated): gnomAD exomes 0.00005 and 0.00014; ExAC 0.00021; ESP Exome Variant Server 0.00038; gnomAD 0.00050 and 0.00054; TOPMed 0.00055; 1000 Genomes Project 0.00120; 1000 Genomes Project 30x 0.00141.
gnomAD v4.1: 143 of 1,608,490 alleles (0.0089%); highest among the groups gnomAD compares: African/African-American, 0.18%; no homozygotes.

Submissions (3):

Labcorp Genetics (formerly Invitae), Labcorp
Classification: Likely benign for Pyruvate dehydrogenase E2 deficiency. Last evaluated: 2024-11-04. Review status: criteria provided, single submitter. Criteria: Invitae Variant Classification Sherloc (09022015). Collection method: clinical testing. Allele origin: germline.

Blueprint Genetics
Classification: Likely benign. Last evaluated: 2022-11-28. Review status: criteria provided, single submitter. Criteria: ACMG Guidelines, 2015. Collection method: clinical testing. Allele origin: germline.

GeneDx
Classification: Likely benign. Last evaluated: 2017-10-16. Review status: criteria provided, single submitter. Criteria: GeneDx Variant Classification (06012015). Collection method: clinical testing. Allele origin: germline. Affected: yes.
Comment: This variant is considered likely benign or benign based on one or more of the following criteria: it is a conservative change, it occurs at a poorly conserved position in the protein, it is predicted to be benign by multiple in silico algorithms, and/or has population frequency not consistent with disease.

NM_001931.5(DLAT):c.1677+8A>G

Genes: DLAT (dihydrolipoamide S-acetyltransferase; plus strand), PIH1D2 (PIH1 domain containing 2; minus strand). Cytogenetic location: 11q23.1.
Variant type: single nucleotide variant.
Coding change: c.1677+8A>G on transcript NM_001931.5 (MANE Select); 8 bases into the intron after coding-DNA position 1677, A replaced by G.
Molecular consequence: intron variant.
Genome position (GRCh38, 1-based): chr11:112,060,073, A>G. VCF-style: chr11-112060073-A-G. GRCh37 (hg19) VCF-style: chr11-111930797-A-G.
Other names: c.1215+8A>G (NM_001372042.1); c.1695+8A>G (NM_001372031.1); c.1656+8A>G (NM_001372033.1); c.1569+8A>G (NM_001372035.1); c.1671+8A>G (NM_001372032.1); c.1362+8A>G (NM_001372039.1); c.1254+8A>G (NM_001372041.1); c.1398+8A>G (NM_001372038.1); and 4 more.
Identifiers: ClinVar variation 512400 (VCV000512400.11), dbSNP rs201994231, ClinGen allele CA6276983.